The following is an entry in ClinVar:

NM_005032.7(PLS3):c.1269G>A (p.Leu423=)

Gene: PLS3 (plastin 3; plus strand). Cytogenetic location: Xq23.
Variant type: single nucleotide variant.
Coding change: c.1269G>A on transcript NM_005032.7 (MANE Select); coding-DNA position 1269, G replaced by A.
Protein change: p.Leu423=; no amino-acid change (leucine 423 retained).
Molecular consequence: synonymous variant.
Genome position (GRCh38, 1-based): chrX:115,646,078, G>A. VCF-style: chrX-115646078-G-A. GRCh37 (hg19) VCF-style: chrX-114880398-G-A.
Other names: c.1269G>A, p.Leu423= (NM_001136025.5); c.1188G>A, p.Leu396= (NM_001172335.3); c.1230G>A, p.Leu410= (NM_001282337.2); c.1134G>A, p.Leu378= (NM_001282338.2).
Identifiers: ClinVar variation 3046819 (VCV003046819.2), dbSNP rs2521542806, ClinGen allele CA518286928.

ClinVar aggregate classification (germline): Likely benign (0 of 4 stars; one submission).

Conditions:
PLS3-related disorder. Also called: PLS3-related condition.

Submission:

PreventionGenetics, part of Exact Sciences
Classification: Likely benign for PLS3-related condition. Last evaluated: 2019-04-25. Review status: no assertion criteria provided. Collection method: clinical testing. Allele origin: germline.
Comment: This variant is classified as likely benign based on ACMG/AMP sequence variant interpretation guidelines (Richards et al. 2015 PMID: 25741868, with internal and published modifications).